The following is an entry in ClinVar:

ClinVar aggregate classification (germline): Uncertain significance. Review status: criteria provided, multiple submitters, no conflicts (2 of 4 stars). 8 submissions from 8 submitters: Uncertain significance (6). 2 of the submissions do not count toward it. Last evaluated 2024-09-26.

Conditions:
Cardiovascular phenotype. Identifiers: MedGen CN230736.
Woolly hair-skin fragility syndrome (WHSF). Identifiers: Orphanet 293165, MedGen C1843292, MONDO:0957307, OMIM 620415.
Cardiomyopathy, dilated, with wooly hair, keratoderma, and tooth agenesis. Also called: Erythrokeratodermia-cardiomyopathy syndrome; Cardiomyopathy, dilated, with woolly hair, keratoderma, and tooth agenesis. Identifiers: Orphanet 476096, Orphanet 65282, MedGen C4014393, MONDO:0014355, OMIM 615821.
Keratosis palmoplantaris striata 2. Also called: Keratosis palmoplantaris striata II; KERATODERMA, PALMOPLANTAR, STRIATE FORM II; STRIATE PALMOPLANTAR KERATODERMA II. Identifiers: MedGen C1852127, MONDO:0013034, OMIM 612908.
Lethal acantholytic epidermolysis bullosa (EBLA). Identifiers: Orphanet 158687, MedGen C1864826, MONDO:0012323, OMIM 609638.
Arrhythmogenic cardiomyopathy with wooly hair and keratoderma. Also called: Carvajal syndrome; PALMOPLANTAR KERATODERMA WITH LEFT VENTRICULAR CARDIOMYOPATHY AND WOOLLY HAIR; Dilated cardiomyopathy with woolly hair and keratoderma; Arrhythmogenic cardiomyopathy with woolly hair and keratoderma. Identifiers: Orphanet 65282, MedGen C1854063, MONDO:0011581, OMIM 605676.
Arrhythmogenic right ventricular dysplasia 8 (ARVD8). Also called: ARRHYTHMOGENIC RIGHT VENTRICULAR DYSPLASIA, FAMILIAL, 8; ARRHYTHMOGENIC RIGHT VENTRICULAR CARDIOMYOPATHY 8; Arrhythmogenic Right Ventricular Dysplasia/Cardiomyopathy 8. Identifiers: MedGen C1843896, MONDO:0011831, OMIM 607450.
Cardiomyopathy (CMYO). Also called: Cardiomyopathies. Identifiers: Orphanet 167848, MedGen C0878544, MONDO:0004994, HP:0001638. Inheritance: Various modes of inheritance.

Allele frequency attached by ClinVar (database versions not stated): gnomAD 0.00001; gnomAD exomes 0.00001 and 0.00002; TOPMed 0.00002; ExAC 0.00003; 1000 Genomes Project 30x 0.00016; 1000 Genomes Project 0.00020.
gnomAD v4.1: 13 of 1,613,266 alleles (0.00081%); highest among the groups gnomAD compares: African/African-American, 0.0093%; no homozygotes.

Submissions (8):

All of Us Research Program, National Institutes of Health
Classification: Uncertain significance for Arrhythmogenic cardiomyopathy with wooly hair and keratoderma. Last evaluated: 2024-09-26. Review status: criteria provided, single submitter. Criteria: ACMG Guidelines, 2015. Collection method: clinical testing. Allele origin: germline. Inheritance: Autosomal dominant inheritance. Observed: 4 variant alleles, 4 heterozygotes.
Comment: This missense variant replaces alanine with valine at codon 247 of the DSP protein. Computational prediction is inconclusive regarding the impact of this variant on protein structure and function (internally defined REVEL score threshold 0.5 < inconclusive < 0.7, PMID: 27666373). To our knowledge, functional studies have not been reported for this variant. This variant has been reported in two unrelated individuals affected with dilated cardiomyopathy (PMID: 25979592, 31983221). This variant has been identified in 6/251420 chromosomes in the general population by the Genome Aggregation Database (gnomAD). The available evidence is insufficient to determine the role of this variant in disease conclusively. Therefore, this variant is classified as a Variant of Uncertain Significance.

This study involves interpretation of variants in research participants for the purpose of population health screening. Participant phenotype was not available at the time of variant classification. Additional details can be found in publication PMID: 35346344, PMCID: PMC8962531

Labcorp Genetics (formerly Invitae), Labcorp
Classification: Uncertain significance for Arrhythmogenic cardiomyopathy with wooly hair and keratoderma; Arrhythmogenic right ventricular dysplasia 8. Last evaluated: 2024-07-15. Review status: criteria provided, single submitter. Criteria: Invitae Variant Classification Sherloc (09022015). Collection method: clinical testing. Allele origin: germline.
Comment: This sequence change replaces alanine, which is neutral and non-polar, with valine, which is neutral and non-polar, at codon 247 of the DSP protein (p.Ala247Val). The frequency data for this variant in the population databases is considered unreliable, as metrics indicate poor data quality at this position in the gnomAD database. This missense change has been observed in individual(s) with dilated cardiomyopathy (PMID: 25979592, 31983221, 37652022). ClinVar contains an entry for this variant (Variation ID: 965204). Experimental studies and prediction algorithms are not available or were not evaluated, and the functional significance of this variant is currently unknown. In summary, the available evidence is currently insufficient to determine the role of this variant in disease. Therefore, it has been classified as a Variant of Uncertain Significance.

Color Diagnostics, LLC DBA Color Health
Classification: Uncertain significance for Cardiomyopathy. Last evaluated: 2024-06-20. Review status: criteria provided, single submitter. Criteria: ACMG Guidelines, 2015. Collection method: clinical testing. Allele origin: germline.
Comment: This missense variant replaces alanine with valine at codon 247 of the DSP protein. To our knowledge, functional studies have not been reported for this variant. This variant has not been reported in individuals affected with DSP-related disorders in the literature. This variant has not been identified in the general population by the Genome Aggregation Database (gnomAD). A different nucleotide change (c.740C>T) leading to the same nonsense variant has been reported in two individuals affected with dilated cardiomyopathy (PMID: 25979592, 31983221). The available evidence is insufficient to determine the role of this variant in disease conclusively. Therefore, this variant is classified as a Variant of Uncertain Significance.

Fulgent Genetics
Classification: Uncertain significance for Arrhythmogenic cardiomyopathy with wooly hair and keratoderma; Arrhythmogenic right ventricular dysplasia 8; Lethal acantholytic epidermolysis bullosa; Keratosis palmoplantaris striata 2; Cardiomyopathy, dilated, with wooly hair, keratoderma, and tooth agenesis. Last evaluated: 2022-02-09. Review status: criteria provided, single submitter. Criteria: ACMG Guidelines, 2015. Collection method: clinical testing. Allele origin: unknown.

Ambry Genetics
Classification: Uncertain significance for Cardiovascular phenotype. Last evaluated: 2021-07-25. Review status: criteria provided, single submitter. Criteria: Ambry Variant Classification Scheme 2023. Collection method: clinical testing. Allele origin: germline.
Comment: The p.A247V variant (also known as c.740C>T), located in coding exon 6 of the DSP gene, results from a C to T substitution at nucleotide position 740. The alanine at codon 247 is replaced by valine, an amino acid with similar properties. This alteration has been reported in a cardiomyopathy cohort in an individual with dilated cardiomyopathy (DCM) (Waldm&uuml;ller S et al. Mol Cell Probes, 2015 Oct;29:308-14). This amino acid position is highly conserved in available vertebrate species. In addition, the in silico prediction for this alteration is inconclusive. Since supporting evidence is limited at this time, the clinical significance of this alteration remains unclear.

GeneDx
Classification: Uncertain significance. Last evaluated: 2019-10-10. Review status: criteria provided, single submitter. Criteria: GeneDx Variant Classification Process June 2021. Collection method: clinical testing. Allele origin: germline. Affected: yes.
Comment: In silico analysis, which includes protein predictors and evolutionary conservation, supports that this variant does not alter protein structure/function; This variant is associated with the following publications: (PMID: 25979592)

Clinical Genetics DNA and cytogenetics Diagnostics Lab, Erasmus MC, Erasmus Medical Center
Classification: Uncertain significance. Review status: no assertion criteria provided. Collection method: clinical testing. Allele origin: germline. Affected: yes. Study: VKGL Data-share Consensus. Not counted in ClinVar's aggregate classification.

Diagnostic Laboratory, Department of Genetics, University Medical Center Groningen
Classification: Uncertain significance. Review status: no assertion criteria provided. Collection method: clinical testing. Allele origin: germline. Affected: yes. Study: VKGL Data-share Consensus. Not counted in ClinVar's aggregate classification.

Literature cited by the submitters: PubMed 25979592 (cited by 4 submitters); PubMed 31983221 (cited by 3 submitters); PubMed 37652022 (cited by Labcorp Genetics (formerly Invitae), Labcorp).

NM_004415.4(DSP):c.740C>T (p.Ala247Val)

Gene: DSP (desmoplakin; plus strand). Cytogenetic location: 6p24.3.
Variant type: single nucleotide variant.
Coding change: c.740C>T on transcript NM_004415.4 (MANE Select); coding-DNA position 740, C replaced by T.
Protein change: p.Ala247Val; replaces alanine 247 with valine.
Molecular consequence: missense variant.
Genome position (GRCh38, 1-based): chr6:7,563,749, C>T. VCF-style: chr6-7563749-C-T. GRCh37 (hg19) VCF-style: chr6-7563982-C-T.
Other names: c.740_741delinsTG (NM_004415.4); c.740C>T, p.Ala247Val (NM_001008844.3, NM_001319034.2); short protein forms A247V.
Identifiers: ClinVar variation 965204 (VCV000965204.15), dbSNP rs544360130, ClinGen allele CA049830.
Genomic context (GRCh38, chr6:7,563,749, plus strand): 5'-CAATCCACAAGGGGATTTATATCTACCTGCTTTTTGTTGTCTTCTAGCGCGAGAAATCTG[C>T]GATCTACCAGTTGGAGGAGGAGTATGAAAACCTGCTGGTAAGCTGATTTATTTCTCAAGT-3'
Protein context (NP_004406.2, residues 237-257): KIKADLREKS[Ala247Val]IYQLEEEYEN